The following is an entry in ClinVar:

ClinVar aggregate classification (germline): Pathogenic/Likely pathogenic. Review status: criteria provided, multiple submitters, no conflicts (2 of 4 stars). 7 submissions from 7 submitters: Pathogenic (3); Likely pathogenic (4). Last evaluated 2025-12-29.

Conditions:
Rare anaemia.
Non-immune hydrops fetalis (NIHF). Also called: Idiopathic hydrops fetalis; Familial non-immune hydrops fetalis; Fetal edema. Identifiers: Orphanet 363999, MedGen C0455988, MONDO:0009369, OMIM 236750, HP:0001790.

Submissions (7):

Center for Genomic Medicine, Rigshospitalet, Copenhagen University Hospital
Classification: Pathogenic. Last evaluated: 2025-12-29. Review status: criteria provided, single submitter. Criteria: ACMG Guidelines, 2015. Collection method: clinical testing. Allele origin: germline.
Comment: Classification criteria: PS4_Moderate, PS3, PM2_Supporting, PP1, PP4_Strong

North West Genomic Laboratory Hub, Manchester University NHS Foundation Trust
Classification: Likely pathogenic for Rare anaemia. Last evaluated: 2024-05-09. Review status: criteria provided, single submitter. Criteria: ACGS Best Practice Guidelines for Variant Classification in Rare Disease 2020. Collection method: clinical testing. Allele origin: germline. Affected: yes.
Comment: PM2_Mod PS4_Supp PS2_Str

Labcorp Genetics (formerly Invitae), Labcorp
Classification: Pathogenic. Last evaluated: 2024-03-08. Review status: criteria provided, single submitter. Criteria: Invitae Variant Classification Sherloc (09022015). Collection method: clinical testing. Allele origin: germline.
Comment: This sequence change replaces valine, which is neutral and non-polar, with methionine, which is neutral and non-polar, at codon 598 of the PIEZO1 protein (p.Val598Met). This variant is not present in population databases (gnomAD no frequency). This missense change has been observed in individuals with autosomal dominant hereditary xerocytosis (PMID: 28619848, 30655378, 30887001, 31624108). ClinVar contains an entry for this variant (Variation ID: 1065463). Advanced modeling of protein sequence and biophysical properties (such as structural, functional, and spatial information, amino acid conservation, physicochemical variation, residue mobility, and thermodynamic stability) performed at Invitae indicates that this missense variant is not expected to disrupt PIEZO1 protein function with a negative predictive value of 80%. Experimental studies have shown that this missense change affects PIEZO1 function (PMID: 28619848, 30887001, 31091145). For these reasons, this variant has been classified as Pathogenic.

Revvity Omics, Revvity
Classification: Pathogenic. Last evaluated: 2024-02-26. Review status: criteria provided, single submitter. Criteria: ACMG Guidelines, 2015. Collection method: clinical testing. Allele origin: germline.

Mayo Clinic Laboratories, Mayo Clinic
Classification: Likely pathogenic. Last evaluated: 2021-12-06. Review status: criteria provided, single submitter. Criteria: ACMG Guidelines, 2015. Collection method: clinical testing. Allele origin: germline.
Comment: BP4, PM2, PS3, PS4_moderate

ARUP Laboratories, Molecular Genetics and Genomics, ARUP Laboratories
Classification: Likely pathogenic. Last evaluated: 2021-07-30. Review status: criteria provided, single submitter. Criteria: ARUP Molecular Germline Variant Investigation Process 2021. Collection method: clinical testing. Allele origin: germline.

Genomic Medicine Lab, University of California San Francisco
Classification: Likely pathogenic for Non-immune hydrops fetalis. Last evaluated: 2020-06-04. Review status: criteria provided, single submitter. Criteria: ACMG Guidelines, 2015. Collection method: clinical testing. Allele origin: de novo. Inheritance: Autosomal recessive inheritance. Affected: yes. Study: CSER-P3EGS.

Literature cited by the submitters: PubMed 39400415 (cited by Center for Genomic Medicine, Rigshospitalet, Copenhagen University Hospital); PubMed 36864026 (cited by Center for Genomic Medicine, Rigshospitalet, Copenhagen University Hospital); PubMed 30887001 (cited by 3 submitters); PubMed 31091145 (cited by Center for Genomic Medicine, Rigshospitalet, Copenhagen University Hospital and Labcorp Genetics (formerly Invitae), Labcorp); PubMed 28619848 (cited by Labcorp Genetics (formerly Invitae), Labcorp and Mayo Clinic Laboratories, Mayo Clinic); PubMed 30655378 (cited by Labcorp Genetics (formerly Invitae), Labcorp); PubMed 31624108 (cited by Labcorp Genetics (formerly Invitae), Labcorp and Mayo Clinic Laboratories, Mayo Clinic); PubMed 30187933 (cited by Mayo Clinic Laboratories, Mayo Clinic); PubMed 32981126 (cited by Mayo Clinic Laboratories, Mayo Clinic); PubMed 33027564 (cited by Mayo Clinic Laboratories, Mayo Clinic).

NM_001142864.4(PIEZO1):c.1792G>A (p.Val598Met)

Genes: HSALR1 (HSP90AB1 associated lncRNA 1; plus strand), PIEZO1 (piezo type mechanosensitive ion channel component 1 (Er blood group); minus strand). Cytogenetic location: 16q24.3.
Variant type: single nucleotide variant.
Coding change: c.1792G>A on transcript NM_001142864.4 (MANE Select); coding-DNA position 1792, G replaced by A.
Protein change: p.Val598Met; replaces valine 598 with methionine.
Molecular consequence: missense variant.
Genome position (GRCh38, 1-based): chr16:88,734,931, C>T on the plus strand (G>A on the coding strand, the complement: PIEZO1 is on the minus strand). VCF-style: chr16-88734931-C-T. GRCh37 (hg19) VCF-style: chr16-88801339-C-T.
Other names: p.Val598Met; short protein forms V598M.
Identifiers: ClinVar variation 1065463 (VCV001065463.25), dbSNP rs2142820621, ClinGen allele CA397115295.